The following is an entry in ClinVar:

NM_001318852.2(MAPK8IP3):c.1379G>A (p.Arg460Lys)

Gene: MAPK8IP3 (mitogen-activated protein kinase 8 interacting protein 3; plus strand). Cytogenetic location: 16p13.3.
Variant type: single nucleotide variant.
Coding change: c.1379G>A on transcript NM_001318852.2 (MANE Select); coding-DNA position 1379, G replaced by A.
Protein change: p.Arg460Lys; replaces arginine 460 with lysine.
Molecular consequence: missense variant.
Genome position (GRCh38, 1-based): chr16:1,760,454, G>A. VCF-style: chr16-1760454-G-A. GRCh37 (hg19) VCF-style: chr16-1810455-G-A.
Other names: c.1376G>A (NM_015133.3); c.1358G>A, p.Arg453Lys (NM_001040439.2); c.1376G>A, p.Arg459Lys (NM_015133.5); short protein forms R453K, R459K, R460K.
Identifiers: ClinVar variation 3603070 (VCV003603070.2).

ClinVar aggregate classification (germline): Conflicting classifications of pathogenicity. Review status: criteria provided, conflicting classifications (1 of 4 stars). 2 submissions from 2 submitters: Uncertain significance (1); Likely benign (1). Last evaluated 2026-03-19.

Conditions:
Inborn genetic diseases. Identifiers: MedGen C0950123, MeSH D030342.

gnomAD v4.1: 2 of 1,614,042 alleles (0.00012%); highest among the groups gnomAD compares: Non-Finnish European, 0.00017%; no homozygotes.

Submissions (2):

Ambry Genetics
Classification: Likely benign for Inborn genetic diseases. Last evaluated: 2026-03-19. Review status: criteria provided, single submitter. Criteria: Ambry Variant Classification Scheme 2023. Collection method: clinical testing. Allele origin: germline.

GeneDx
Classification: Uncertain significance. Last evaluated: 2024-08-06. Review status: criteria provided, single submitter. Criteria: GeneDx Variant Classification Process June 2021. Collection method: clinical testing. Allele origin: germline. Affected: yes.
Comment: Not observed at significant frequency in large population cohorts (gnomAD); In silico analysis indicates that this missense variant does not alter protein structure/function; Has not been previously published as pathogenic or benign to our knowledge